The following is an entry in ClinVar:

NM_001375834.1(WIPF1):c.255_269del (p.Gly86_Gly90del)

Genes: WIPF1 (WAS/WASL interacting protein family member 1; minus strand), WIPF1-AS1 (WIPF1 and CHRNA1 antisense RNA 1; plus strand). Cytogenetic location: 2q31.1.
Variant type: Deletion.
Coding change: c.255_269del on transcript NM_001375834.1 (MANE Select); coding-DNA positions 255 to 269, 15 bases deleted (TGGCGGAGGCGGTGG).
Protein change: p.Gly86_Gly90del.
Molecular consequence: inframe deletion. On other transcripts: intron variant (1).
Genome position (GRCh38, 1-based): chr2:174,575,293-174,575,307, CCACCGCCTCCGCCA deleted on the plus strand (TGGCGGAGGCGGTGG on the coding strand, the reverse complement: WIPF1 is on the minus strand); deleting any 15 consecutive bases within chr2:174,575,293-174,575,312 gives the same sequence; the c. name uses the placement nearest the transcript's 3' end. VCF-style (leftmost placement, unchanged base first): chr2-174575292-TCCACCGCCTCCGCCA-T. GRCh37 (hg19) VCF-style: chr2-175440020-TCCACCGCCTCCGCCA-T.
Other names: c.255_269del, p.Gly86_Gly90del (NM_001077269.1, NM_001375832.1, NM_001375833.1 and 5 more transcripts); c.182-3062_182-3048del (NM_001375839.1).
Identifiers: ClinVar variation 835892 (VCV000835892.7), dbSNP rs561738348, ClinGen allele CA1974182.

ClinVar aggregate classification (germline): Uncertain significance. Review status: criteria provided, multiple submitters, no conflicts (2 of 4 stars). 2 submissions from 2 submitters: Uncertain significance (2). Last evaluated 2024-10-26.

Conditions:
Wiskott-Aldrich syndrome 2 (WAS2). Also called: WIPF1 DEFICIENCY. Identifiers: Orphanet 906, MedGen C3281001, MONDO:0013779, OMIM 614493.

Submissions (2):

Labcorp Genetics (formerly Invitae), Labcorp
Classification: Uncertain significance for Wiskott-Aldrich syndrome 2. Last evaluated: 2024-10-26. Review status: criteria provided, single submitter. Criteria: Invitae Variant Classification Sherloc (09022015). Collection method: clinical testing. Allele origin: germline.
Comment: This variant, c.255_269del, results in the deletion of 5 amino acid(s) of the WIPF1 protein (p.Gly86_Gly90del), but otherwise preserves the integrity of the reading frame. This variant is present in population databases (rs561738348, gnomAD 0.05%). This variant has not been reported in the literature in individuals affected with WIPF1-related conditions. ClinVar contains an entry for this variant (Variation ID: 835892). Experimental studies and prediction algorithms are not available or were not evaluated, and the functional significance of this variant is currently unknown. In summary, the available evidence is currently insufficient to determine the role of this variant in disease. Therefore, it has been classified as a Variant of Uncertain Significance.

Breakthrough Genomics
Classification: Uncertain significance. Review status: criteria provided, single submitter. Criteria: ACMG Guidelines, 2015. Collection method: not provided. Allele origin: germline. Inheritance: Autosomal recessive inheritance. Affected: yes.